The following is an entry in ClinVar:

ClinVar aggregate classification (germline): Uncertain significance. Review status: criteria provided, multiple submitters, no conflicts (2 of 4 stars). 2 submissions from 2 submitters: Uncertain significance (2). Last evaluated 2021-11-24.

Conditions:
Neuropathy, hereditary sensory and autonomic, type 1A (HSAN1A). Also called: SPTLC1-Related Hereditary Sensory Neuropathy; NEUROPATHY, HEREDITARY SENSORY AND AUTONOMIC, TYPE IA; HSAN IA; HSN IA; NEUROPATHY, HEREDITARY SENSORY RADICULAR, AUTOSOMAL DOMINANT, TYPE 1A. Identifiers: MedGen C5235211, MONDO:0008086, OMIM 162400.
Hereditary sensory and autonomic neuropathy type 1 (HSAN1). Also called: HSAN 1; HSN Type I; Hereditary Sensory Neuropathy Type I. Identifiers: Orphanet 36386, MedGen C0020071, MONDO:0018213.

Allele frequency attached by ClinVar (database versions not stated): TOPMed below 0.00001; ExAC 0.00001; gnomAD exomes 0.00001; gnomAD 0.00001.
gnomAD v4.1: 1 of 1,611,832 alleles (0.000062%); highest among the groups gnomAD compares: African/African-American, 0.0013%; no homozygotes.

Submissions (2):

Labcorp Genetics (formerly Invitae), Labcorp
Classification: Uncertain significance for Hereditary sensory and autonomic neuropathy type 1. Last evaluated: 2021-11-24. Review status: criteria provided, single submitter. Criteria: Invitae Variant Classification Sherloc (09022015). Collection method: clinical testing. Allele origin: germline.
Comment: In summary, the available evidence is currently insufficient to determine the role of this variant in disease. Therefore, it has been classified as a Variant of Uncertain Significance. Advanced modeling of protein sequence and biophysical properties (such as structural, functional, and spatial information, amino acid conservation, physicochemical variation, residue mobility, and thermodynamic stability) performed at Invitae indicates that this missense variant is expected to disrupt SPTLC1 protein function. ClinVar contains an entry for this variant (Variation ID: 811408). This variant has not been reported in the literature in individuals affected with SPTLC1-related conditions. This variant is present in population databases (rs765166668, gnomAD 0.007%). This sequence change replaces isoleucine, which is neutral and non-polar, with threonine, which is neutral and polar, at codon 325 of the SPTLC1 protein (p.Ile325Thr).

ARUP Laboratories, Molecular Genetics and Genomics, ARUP Laboratories
Classification: Uncertain significance for Neuropathy, hereditary sensory and autonomic, type 1A. Last evaluated: 2019-05-22. Review status: criteria provided, single submitter. Criteria: ARUP Molecular Germline Variant Investigation Process. Collection method: clinical testing. Allele origin: germline.

NM_006415.4(SPTLC1):c.974T>C (p.Ile325Thr)

Gene: SPTLC1 (serine palmitoyltransferase long chain base subunit 1; minus strand). Cytogenetic location: 9q22.31.
Variant type: single nucleotide variant.
Coding change: c.974T>C on transcript NM_006415.4 (MANE Select); coding-DNA position 974, T replaced by C.
Protein change: p.Ile325Thr; replaces isoleucine 325 with threonine.
Molecular consequence: missense variant.
Genome position (GRCh38, 1-based): chr9:92,047,623, A>G on the plus strand (T>C on the coding strand, the complement: SPTLC1 is on the minus strand). VCF-style: chr9-92047623-A-G. GRCh37 (hg19) VCF-style: chr9-94809905-A-G.
Other names: c.974T>C, p.Ile325Thr (NM_001281303.2); c.608T>C, p.Ile203Thr (NM_001368272.1); c.509T>C, p.Ile170Thr (NM_001368273.1); short protein forms I170T, I203T, I325T.
Identifiers: ClinVar variation 811408 (VCV000811408.13), dbSNP rs765166668, ClinGen allele CA5121365.